The following is an entry in ClinVar:

ClinVar aggregate classification (germline): Pathogenic (1 of 4 stars; one submission).

Conditions:
Polyglandular autoimmune syndrome, type 1 (APS1). Also called: Whitaker syndrome; Autoimmune polyendocrinopathy syndrome, type I; Autoimmune polyendocrine syndrome type 1; AUTOIMMUNE POLYENDOCRINE SYNDROME, TYPE I, WITH OR WITHOUT REVERSIBLE METAPHYSEAL DYSPLASIA; APS I; HYPOADRENOCORTICISM WITH HYPOPARATHYROIDISM AND SUPERFICIAL MONILIASIS. Identifiers: Orphanet 3453, MedGen C0085859, MONDO:0009411, OMIM 240300.

Submission:

Myriad Genetics, Inc.
Classification: Pathogenic for Polyglandular autoimmune syndrome, type 1. Last evaluated: 2023-09-27. Review status: criteria provided, single submitter. Criteria: Myriad Autosomal Dominant, Autosomal Recessive and X-Linked Classification Criteria (2023). Collection method: clinical testing. Allele origin: unknown.
Comment: NM_000383.3(AIRE):c.424dupG(A142Gfs*75) is expected to be pathogenic in the context of autoimmune polyglandular syndrome type 1. This variant is predicted to lead to an abnormal or absent protein product due to the creation of a premature termination codon in AIRE, a gene where loss-of-function variants are known to be pathogenic. Please note: this variant was assessed in the context of healthy population screening.

NM_000383.4(AIRE):c.424dup (p.Ala142fs)

Gene: AIRE (autoimmune regulator; plus strand). Cytogenetic location: 21q22.3.
Variant type: Duplication.
Coding change: c.424dup on transcript NM_000383.4 (MANE Select); coding-DNA position 424, one base duplicated (G; older notation c.424dupG).
Protein change: p.Ala142fs; shifts the reading frame from alanine 142.
Molecular consequence: frameshift variant.
Genome position (GRCh38, 1-based): chr21:44,287,094, G duplicated. VCF-style (leftmost placement, unchanged base first): chr21-44287093-C-CG. GRCh37 (hg19) VCF-style: chr21-45706976-C-CG.
Other names: short protein forms A142fs.
Identifiers: ClinVar variation 5011912 (VCV005011912.1).